The following is an entry in ClinVar:

ClinVar aggregate classification (germline): Uncertain significance. Review status: criteria provided, multiple submitters, no conflicts (2 of 4 stars). 2 submissions from 2 submitters: Uncertain significance (2). Last evaluated 2024-01-27.

Conditions:
Inborn genetic diseases. Identifiers: MedGen C0950123, MeSH D030342.
CHARGE syndrome (CHARGE). Also called: Hittner Hirsch Kreh syndrome; CHARGE ASSOCIATION--COLOBOMA, HEART ANOMALY, CHOANAL ATRESIA, RETARDATION, GENITAL AND EAR ANOMALIES; Coloboma, heart anomaly, choanal atresia, retardation, genital and ear anomalies; CHARGE association; Hall-Hittner syndrome. Identifiers: Orphanet 138, MedGen C0265354, MONDO:0008965.

Allele frequency attached by ClinVar (database versions not stated): gnomAD exomes below 0.00001; TOPMed 0.00001.
gnomAD v4.1: 1 of 1,607,778 alleles (0.000062%); highest among the groups gnomAD compares: Non-Finnish European, 0.000085%; no homozygotes.

Submissions (2):

Ambry Genetics
Classification: Uncertain significance for Inborn genetic diseases. Last evaluated: 2024-01-27. Review status: criteria provided, single submitter. Criteria: Ambry Variant Classification Scheme 2023. Collection method: clinical testing. Allele origin: germline.
Comment: The p.Q2768H variant (also known as c.8304G>C), located in coding exon 37 of the CHD7 gene, results from a G to C substitution at nucleotide position 8304. The glutamine at codon 2768 is replaced by histidine, an amino acid with highly similar properties. This amino acid position is conserved. In addition, the in silico prediction for this alteration is inconclusive. Based on the available evidence, the clinical significance of this alteration remains unclear.

Labcorp Genetics (formerly Invitae), Labcorp
Classification: Uncertain significance for CHARGE syndrome. Last evaluated: 2023-11-15. Review status: criteria provided, single submitter. Criteria: Invitae Variant Classification Sherloc (09022015). Collection method: clinical testing. Allele origin: germline.
Comment: This sequence change replaces glutamine, which is neutral and polar, with histidine, which is basic and polar, at codon 2768 of the CHD7 protein (p.Gln2768His). This variant is not present in population databases (gnomAD no frequency). This variant has not been reported in the literature in individuals affected with CHD7-related conditions. Advanced modeling of protein sequence and biophysical properties (such as structural, functional, and spatial information, amino acid conservation, physicochemical variation, residue mobility, and thermodynamic stability) performed at Invitae indicates that this missense variant is not expected to disrupt CHD7 protein function with a negative predictive value of 95%. In summary, the available evidence is currently insufficient to determine the role of this variant in disease. Therefore, it has been classified as a Variant of Uncertain Significance.

NM_017780.4(CHD7):c.8304G>C (p.Gln2768His)

Gene: CHD7 (chromodomain helicase DNA binding protein 7; plus strand). Cytogenetic location: 8q12.2.
Variant type: single nucleotide variant.
Coding change: c.8304G>C on transcript NM_017780.4 (MANE Select); coding-DNA position 8304, G replaced by C.
Protein change: p.Gln2768His; replaces glutamine 2768 with histidine.
Molecular consequence: missense variant.
Genome position (GRCh38, 1-based): chr8:60,865,243, G>C. VCF-style: chr8-60865243-G-C. GRCh37 (hg19) VCF-style: chr8-61777802-G-C.
Other names: c.2157G>C, p.Gln719His (NM_001316690.1); c.8304G>C (NM_017780.3); short protein forms Q2768H, Q719H.
Identifiers: ClinVar variation 2900959 (VCV002900959.4), dbSNP rs768238208, ClinGen allele CA4760985.